The following is an entry in ClinVar:

NM_000548.5(TSC2):c.3724A>G (p.Lys1242Glu)

Gene: TSC2 (TSC complex subunit 2; plus strand). Cytogenetic location: 16p13.3.
Variant type: single nucleotide variant.
Coding change: c.3724A>G on transcript NM_000548.5 (MANE Select); coding-DNA position 3724, A replaced by G.
Protein change: p.Lys1242Glu; replaces lysine 1242 with glutamic acid.
Molecular consequence: missense variant. On other transcripts: non-coding transcript variant (5).
Genome position (GRCh38, 1-based): chr16:2,081,708, A>G. VCF-style: chr16-2081708-A-G. GRCh37 (hg19) VCF-style: chr16-2131709-A-G.
Other names: c.3595A>G, p.Lys1199Glu (NM_001370405.1, NM_001363528.2, NM_021055.3); c.3721A>G, p.Lys1241Glu (NM_001406663.1, NM_001406664.1); c.3592A>G, p.Lys1198Glu (NM_001406665.1, NM_001077183.3, NM_001370404.1); c.3685A>G, p.Lys1229Glu (NM_001406667.1); c.3682A>G, p.Lys1228Glu (NM_001406668.1); c.3613A>G, p.Lys1205Glu (NM_001406670.1); c.3583A>G, p.Lys1195Glu (NM_001406671.1); c.3580A>G, p.Lys1194Glu (NM_001406673.1); and 18 more; short protein forms K1045E, K1162E, K1192E, K1242E, K750E, K998E, K1149E, K1194E.
Identifiers: ClinVar variation 4192158 (VCV004192158.1).

ClinVar aggregate classification (germline): Uncertain significance (1 of 4 stars; one submission).

Conditions:
Hereditary cancer-predisposing syndrome. Also called: Neoplastic Syndromes, Hereditary; Tumor predisposition; Hereditary Cancer Syndrome; Hereditary neoplastic syndrome. Identifiers: Orphanet 140162, MedGen C0027672, MeSH D009386, MONDO:0015356.

Submission:

Ambry Genetics
Classification: Uncertain significance for Hereditary cancer-predisposing syndrome. Last evaluated: 2025-07-17. Review status: criteria provided, single submitter. Criteria: Ambry Variant Classification Scheme 2023. Collection method: clinical testing. Allele origin: germline.
Comment: The p.K1242E variant (also known as c.3724A>G), located in coding exon 30 of the TSC2 gene, results from an A to G substitution at nucleotide position 3724. The lysine at codon 1242 is replaced by glutamic acid, an amino acid with similar properties. This amino acid position is conserved. In addition, this alteration is predicted to be deleterious by in silico analysis. Based on the available evidence, the clinical significance of this variant remains unclear.